The following is an entry in ClinVar:

NM_000093.5(COL5A1):c.3741G>T (p.Gln1247His)

Gene: COL5A1 (collagen type V alpha 1 chain; plus strand). Cytogenetic location: 9q34.3.
Variant type: single nucleotide variant.
Coding change: c.3741G>T on transcript NM_000093.5 (MANE Select); coding-DNA position 3741, G replaced by T.
Protein change: p.Gln1247His; replaces glutamine 1247 with histidine.
Molecular consequence: missense variant.
Genome position (GRCh38, 1-based): chr9:134,812,499, G>T. VCF-style: chr9-134812499-G-T. GRCh37 (hg19) VCF-style: chr9-137704345-G-T.
Other names: p.Gln1247His; c.3741G>T, p.Gln1247His (NM_001278074.1); short protein forms Q1247H.
Identifiers: ClinVar variation 2683089 (VCV002683089.1), dbSNP rs1838562318, ClinGen allele CA375454725.

ClinVar aggregate classification (germline): Uncertain significance (1 of 4 stars; one submission).

Submission:

Mayo Clinic Laboratories, Mayo Clinic
Classification: Uncertain significance. Last evaluated: 2022-10-11. Review status: criteria provided, single submitter. Criteria: ACMG Guidelines, 2015. Collection method: clinical testing. Allele origin: germline. Observed: 1 variant allele.
Comment: PM2_supporting